The following is an entry in ClinVar:

ClinVar aggregate classification (germline): Uncertain significance (1 of 4 stars; one submission).

Conditions:
Immunodeficiency 39 (IMD39). Identifiers: Orphanet 574918, MedGen C4225358, MONDO:0014597, OMIM 616345.

Submission:

Labcorp Genetics (formerly Invitae), Labcorp
Classification: Uncertain significance for Immunodeficiency 39. Last evaluated: 2025-12-28. Review status: criteria provided, single submitter. Criteria: Invitae Variant Classification Sherloc (09022015). Collection method: clinical testing. Allele origin: germline.
Comment: This sequence change replaces glutamic acid, which is acidic and polar, with lysine, which is basic and polar, at codon 254 of the IRF7 protein (p.Glu254Lys). This variant is not present in population databases (gnomAD no frequency). This variant has not been reported in the literature in individuals affected with IRF7-related conditions. An algorithm developed to predict the effect of missense changes on protein structure and function outputs the following: PolyPhen-2: "Possibly Damaging". The lysine amino acid residue is found in multiple mammalian species, which suggests that this missense change does not adversely affect protein function. In summary, the available evidence is currently insufficient to determine the role of this variant in disease. Therefore, it has been classified as a Variant of Uncertain Significance.

NM_001572.5(IRF7):c.721G>A (p.Glu241Lys)

Gene: IRF7 (interferon regulatory factor 7; minus strand). Cytogenetic location: 11p15.5.
Variant type: single nucleotide variant.
Coding change: c.721G>A on transcript NM_001572.5 (MANE Select); coding-DNA position 721, G replaced by A.
Protein change: p.Glu241Lys; replaces glutamic acid 241 with lysine.
Molecular consequence: missense variant. On other transcripts: intron variant (4).
Genome position (GRCh38, 1-based): chr11:613,996, C>T on the plus strand (G>A on the coding strand, the complement: IRF7 is on the minus strand). VCF-style: chr11-613996-C-T. GRCh37 (hg19) VCF-style: chr11-613996-C-T.
Other names: c.757G>A, p.Glu253Lys (NM_001440440.1); c.718G>A, p.Glu240Lys (NM_001440442.1); c.760G>A, p.Glu254Lys (NM_004031.4); c.395-131G>A (NM_001440446.1); c.677-131G>A (NM_001440445.1); c.680-131G>A (NM_004029.4); c.719-131G>A (NM_001440444.1); short protein forms E254K, E253K, E240K, E241K.
Identifiers: ClinVar variation 4698936 (VCV004698936.1).